The following is an entry in ClinVar:

ClinVar aggregate classification (germline): Uncertain significance (1 of 4 stars; one submission).

Submission:

Labcorp Genetics (formerly Invitae), Labcorp
Classification: Uncertain significance. Last evaluated: 2024-07-24. Review status: criteria provided, single submitter. Criteria: Invitae Variant Classification Sherloc (09022015). Collection method: clinical testing. Allele origin: germline.
Comment: This sequence change replaces leucine, which is neutral and non-polar, with proline, which is neutral and non-polar, at codon 637 of the CNGA3 protein (p.Leu637Pro). This variant is not present in population databases (gnomAD no frequency). This variant has not been reported in the literature in individuals affected with CNGA3-related conditions. Advanced modeling of protein sequence and biophysical properties (such as structural, functional, and spatial information, amino acid conservation, physicochemical variation, residue mobility, and thermodynamic stability) performed at Invitae indicates that this missense variant is expected to disrupt CNGA3 protein function with a positive predictive value of 95%. In summary, the available evidence is currently insufficient to determine the role of this variant in disease. Therefore, it has been classified as a Variant of Uncertain Significance.

NM_001298.3(CNGA3):c.1910T>C (p.Leu637Pro)

Gene: CNGA3 (cyclic nucleotide gated channel subunit alpha 3; plus strand). Cytogenetic location: 2q11.2.
Variant type: single nucleotide variant.
Coding change: c.1910T>C on transcript NM_001298.3 (MANE Select); coding-DNA position 1910, T replaced by C.
Protein change: p.Leu637Pro; replaces leucine 637 with proline.
Molecular consequence: missense variant.
Genome position (GRCh38, 1-based): chr2:98,397,080, T>C. VCF-style: chr2-98397080-T-C. GRCh37 (hg19) VCF-style: chr2-99013543-T-C.
Other names: c.1856T>C, p.Leu619Pro (NM_001079878.2); short protein forms L619P, L637P.
Identifiers: ClinVar variation 3633982 (VCV003633982.2).